The following is an entry in ClinVar:

NM_032043.3(BRIP1):c.2610C>A (p.His870Gln)

Gene: BRIP1 (BRCA1 interacting DNA helicase 1; minus strand). Cytogenetic location: 17q23.2.
Variant type: single nucleotide variant.
Coding change: c.2610C>A on transcript NM_032043.3 (MANE Select); coding-DNA position 2610, C replaced by A.
Protein change: p.His870Gln; replaces histidine 870 with glutamine.
Molecular consequence: missense variant.
Genome position (GRCh38, 1-based): chr17:61,686,131, G>T on the plus strand (C>A on the coding strand, the complement: BRIP1 is on the minus strand). VCF-style: chr17-61686131-G-T. GRCh37 (hg19) VCF-style: chr17-59763492-G-T.
Other names: short protein forms H870Q.
Identifiers: ClinVar variation 2945966 (VCV002945966.3), dbSNP rs2144117805, ClinGen allele CA400481948.

ClinVar aggregate classification (germline): Uncertain significance (1 of 4 stars; one submission).

Conditions:
Fanconi anemia complementation group J. Also called: BRIP1-Related Fanconi Anemia. Identifiers: Orphanet 84, MedGen C1836860, MONDO:0012187, OMIM 609054.
Familial cancer of breast. Also called: BREAST CANCER, FAMILIAL; Hereditary breast cancer; hereditary breast carcinoma. Identifiers: Orphanet 227535, MedGen C0346153, MONDO:0016419, OMIM 114480. Disease mechanism: loss of function.

gnomAD v4.1: 1 of 1,614,048 alleles (0.000062%); no homozygotes.

Submission:

Labcorp Genetics (formerly Invitae), Labcorp
Classification: Uncertain significance for Familial cancer of breast; Fanconi anemia complementation group J. Last evaluated: 2023-03-30. Review status: criteria provided, single submitter. Criteria: Invitae Variant Classification Sherloc (09022015). Collection method: clinical testing. Allele origin: germline.
Comment: In summary, the available evidence is currently insufficient to determine the role of this variant in disease. Therefore, it has been classified as a Variant of Uncertain Significance. Advanced modeling of protein sequence and biophysical properties (such as structural, functional, and spatial information, amino acid conservation, physicochemical variation, residue mobility, and thermodynamic stability) performed at Invitae indicates that this missense variant is expected to disrupt BRIP1 protein function. This variant has not been reported in the literature in individuals affected with BRIP1-related conditions. This variant is not present in population databases (gnomAD no frequency). This sequence change replaces histidine, which is basic and polar, with glutamine, which is neutral and polar, at codon 870 of the BRIP1 protein (p.His870Gln).